The following is an entry in ClinVar:

NM_145861.4(EDARADD):c.*1438C>T

Gene: EDARADD (EDAR associated via death domain; plus strand). Cytogenetic location: 1q43.
Variant type: single nucleotide variant.
Coding change: c.*1438C>T on transcript NM_145861.4 (MANE Select); 1438 bases downstream of the stop codon, C replaced by T.
Molecular consequence: 3 prime UTR variant.
Genome position (GRCh38, 1-based): chr1:236,484,087, C>T. VCF-style: chr1-236484087-C-T. GRCh37 (hg19) VCF-style: chr1-236647387-C-T.
Other names: c.*1438C>T (NM_001422628.1, NM_080738.5).
Identifiers: ClinVar variation 296472 (VCV000296472.6), dbSNP rs201710490, ClinGen allele CA10610456.

ClinVar aggregate classification (germline): Likely benign (1 of 4 stars; one submission).

Conditions:
Hypohidrotic ectodermal dysplasia (HED). Identifiers: Orphanet 238468, MedGen C5848103, MONDO:0016535, HP:0007607.

Allele frequency attached by ClinVar (database versions not stated): 1000 Genomes Project 30x 0.00125; gnomAD 0.00217 and 0.00215; TOPMed 0.00227; 1000 Genomes Project 0.00080; gnomAD exomes 0.00322.
gnomAD v4.1: 4,927 of 1,574,716 alleles (0.31%); highest among the groups gnomAD compares: Non-Finnish European, 0.38%; 13 homozygotes.

Submission:

Illumina Laboratory Services, Illumina
Classification: Likely benign for Hypohidrotic ectodermal dysplasia. Last evaluated: 2018-01-13. Review status: criteria provided, single submitter. Criteria: ICSL Variant Classification Criteria 13 December 2019. Collection method: clinical testing. Allele origin: germline.
Comment: This variant was observed in the ICSL laboratory as part of a predisposition screen in an ostensibly healthy population. It had not been previously curated by ICSL or reported in the Human Gene Mutation Database (HGMD: prior to June 1st, 2018), and was therefore a candidate for classification through an automated scoring system. Utilizing variant allele frequency, disease prevalence and penetrance estimates, and inheritance mode, an automated score was calculated to assess if this variant is too frequent to cause the disease. Based on the score and internal cut-off values, a variant classified as likely benign is not then subjected to further curation. The score for this variant resulted in a classification of likely benign for this disease.